The following is an entry in ClinVar:

ClinVar aggregate classification (germline): Conflicting classifications of pathogenicity. Review status: criteria provided, conflicting classifications (1 of 4 stars). 3 submissions from 3 submitters: Uncertain significance (2); Likely benign (1). Last evaluated 2025-12-08.

Conditions:
Myopathy, lactic acidosis, and sideroblastic anemia 1 (MLASA1). Identifiers: Orphanet 2598, MedGen C4551958, MONDO:0024553, OMIM 600462.

Allele frequency attached by ClinVar (database versions not stated): gnomAD 0.00005 and 0.00006; gnomAD exomes 0.00006; ExAC 0.00007; TOPMed 0.00008.
gnomAD v4.1: 100 of 1,613,710 alleles (0.0062%); highest among the groups gnomAD compares: Middle Eastern, 0.23%; no homozygotes.

Submissions (3):

Labcorp Genetics (formerly Invitae), Labcorp
Classification: Likely benign. Last evaluated: 2025-12-08. Review status: criteria provided, single submitter. Criteria: Invitae Variant Classification Sherloc (09022015). Collection method: clinical testing. Allele origin: germline.

CeGaT Center for Human Genetics Tuebingen
Classification: Uncertain significance. Last evaluated: 2022-12-01. Review status: criteria provided, single submitter. Criteria: CeGaT Center For Human Genetics Tuebingen Variant Classification Criteria Version 2. Collection method: clinical testing. Allele origin: germline. Affected: yes. Observed: 1 variant allele.
Comment: PUS1: PM2, BP4

Illumina Laboratory Services, Illumina
Classification: Uncertain significance for Myopathy, lactic acidosis, and sideroblastic anemia 1. Last evaluated: 2018-01-13. Review status: criteria provided, single submitter. Criteria: ICSL Variant Classification Criteria 13 December 2019. Collection method: clinical testing. Allele origin: germline.

NM_025215.6(PUS1):c.1068G>A (p.Leu356=)

Gene: PUS1 (pseudouridine synthase 1; plus strand). Cytogenetic location: 12q24.33.
Variant type: single nucleotide variant.
Coding change: c.1068G>A on transcript NM_025215.6 (MANE Select); coding-DNA position 1068, G replaced by A.
Protein change: p.Leu356=; no amino-acid change (leucine 356 retained).
Molecular consequence: synonymous variant.
Genome position (GRCh38, 1-based): chr12:131,941,815, G>A. VCF-style: chr12-131941815-G-A. GRCh37 (hg19) VCF-style: chr12-132426360-G-A.
Other names: c.984G>A, p.Leu328= (NM_001002019.3, NM_001002020.3).
Identifiers: ClinVar variation 762342 (VCV000762342.38), dbSNP rs201753270, ClinGen allele CA6884310.